The following is an entry in ClinVar:

ClinVar aggregate classification (germline): Benign. Review status: criteria provided, single submitter (1 of 4 stars). 2 submissions from 2 submitters: Benign (1). 1 of the submissions does not count toward it. Last evaluated 2018-06-26.

Conditions:
MDN1-related disorder. Also called: MDN1-related condition.

Allele frequency attached by ClinVar (database versions not stated): gnomAD exomes 0.00120 and 0.00044; ESP Exome Variant Server 0.00485; ExAC 0.00127; 1000 Genomes Project 30x 0.00437; gnomAD 0.00421 and 0.00389; 1000 Genomes Project 0.00439; TOPMed 0.00471.
gnomAD v4.1: 1,242 of 1,588,592 alleles (0.078%); highest among the groups gnomAD compares: African/African-American, 1.5%; 12 homozygotes.

Submissions (2):

Labcorp Genetics (formerly Invitae), Labcorp
Classification: Benign. Last evaluated: 2018-06-26. Review status: criteria provided, single submitter. Criteria: Invitae Variant Classification Sherloc (09022015). Collection method: clinical testing. Allele origin: germline.

PreventionGenetics, part of Exact Sciences
Classification: Benign for MDN1-related condition. Last evaluated: 2019-04-25. Review status: no assertion criteria provided. Collection method: clinical testing. Allele origin: germline. Not counted in ClinVar's aggregate classification.
Comment: This variant is classified as benign based on ACMG/AMP sequence variant interpretation guidelines (Richards et al. 2015 PMID: 25741868, with internal and published modifications).

NM_014611.3(MDN1):c.8152T>G (p.Leu2718Val)

Gene: MDN1 (midasin AAA ATPase 1; minus strand). Cytogenetic location: 6q15.
Variant type: single nucleotide variant.
Coding change: c.8152T>G on transcript NM_014611.3 (MANE Select); coding-DNA position 8152, T replaced by G.
Protein change: p.Leu2718Val; replaces leucine 2718 with valine.
Molecular consequence: missense variant.
Genome position (GRCh38, 1-based): chr6:89,702,058, A>C on the plus strand (T>G on the coding strand, the complement: MDN1 is on the minus strand). VCF-style: chr6-89702058-A-C. GRCh37 (hg19) VCF-style: chr6-90411777-A-C.
Other names: short protein forms L2718V.
Identifiers: ClinVar variation 723998 (VCV000723998.5), dbSNP rs115466133, ClinGen allele CA3924092.